The following is an entry in ClinVar:

ClinVar aggregate classification (germline): Likely benign (1 of 4 stars; one submission).

Allele frequency attached by ClinVar (database versions not stated): 1000 Genomes Project 30x 0.00016; 1000 Genomes Project 0.00020; ExAC 0.00021; TOPMed 0.00037; gnomAD 0.00040; gnomAD exomes 0.00050; ESP Exome Variant Server 0.00054.
gnomAD v4.1: 771 of 1,614,202 alleles (0.048%); highest among the groups gnomAD compares: Non-Finnish European, 0.063%; 2 homozygotes.

Submission:

CeGaT Center for Human Genetics Tuebingen
Classification: Likely benign. Last evaluated: 2023-03-01. Review status: criteria provided, single submitter. Criteria: CeGaT Center For Human Genetics Tuebingen Variant Classification Criteria Version 2. Collection method: clinical testing. Allele origin: germline. Affected: yes. Observed: 1 variant allele.
Comment: CUZD1: BP4, BP7

NM_022034.6(CUZD1):c.345A>G (p.Val115=)

Genes: FAM24B-CUZD1 (FAM24B-CUZD1 readthrough; minus strand), CUZD1 (CUB and zona pellucida like domains 1; minus strand). Cytogenetic location: 10q26.13.
Variant type: single nucleotide variant.
Coding change: c.345A>G on transcript NM_022034.6 (MANE Select); coding-DNA position 345, A replaced by G.
Protein change: p.Val115=; no amino-acid change (valine 115 retained).
Molecular consequence: synonymous variant. On other transcripts: non-coding transcript variant (2).
Genome position (GRCh38, 1-based): chr10:122,839,120, T>C on the plus strand (A>G on the coding strand, the complement: CUZD1 is on the minus strand). VCF-style: chr10-122839120-T-C. GRCh37 (hg19) VCF-style: chr10-124598636-T-C.
Identifiers: ClinVar variation 2640944 (VCV002640944.24), dbSNP rs149807903, ClinGen allele CA5729239.